The following is an entry in ClinVar:

ClinVar aggregate classification (germline): Uncertain significance (1 of 4 stars; one submission).

gnomAD v4.1: 1 of 1,613,956 alleles (0.000062%); highest among the groups gnomAD compares: South Asian, 0.0011%; no homozygotes.

Submission:

Labcorp Genetics (formerly Invitae), Labcorp
Classification: Uncertain significance. Last evaluated: 2024-09-01. Review status: criteria provided, single submitter. Criteria: Invitae Variant Classification Sherloc (09022015). Collection method: clinical testing. Allele origin: germline.
Comment: This sequence change replaces leucine, which is neutral and non-polar, with valine, which is neutral and non-polar, at codon 614 of the CHD8 protein (p.Leu614Val). This variant is not present in population databases (gnomAD no frequency). This variant has not been reported in the literature in individuals affected with CHD8-related conditions. An algorithm developed to predict the effect of missense changes on protein structure and function (PolyPhen-2) suggests that this variant is likely to be tolerated. In summary, the available evidence is currently insufficient to determine the role of this variant in disease. Therefore, it has been classified as a Variant of Uncertain Significance.

NM_001170629.2(CHD8):c.1840C>G (p.Leu614Val)

Gene: CHD8 (chromodomain helicase DNA binding protein 8; minus strand). Cytogenetic location: 14q11.2.
Variant type: single nucleotide variant.
Coding change: c.1840C>G on transcript NM_001170629.2 (MANE Select); coding-DNA position 1840, C replaced by G.
Protein change: p.Leu614Val; replaces leucine 614 with valine.
Molecular consequence: missense variant.
Genome position (GRCh38, 1-based): chr14:21,415,784, G>C on the plus strand (C>G on the coding strand, the complement: CHD8 is on the minus strand). VCF-style: chr14-21415784-G-C. GRCh37 (hg19) VCF-style: chr14-21883943-G-C.
Other names: c.1003C>G, p.Leu335Val (NM_020920.4); short protein forms L614V, L335V.
Identifiers: ClinVar variation 3687149 (VCV003687149.2).